The following is an entry in ClinVar:

NM_000257.4(MYH7):c.3441C>G (p.Ser1147Arg)

Gene: MYH7 (myosin heavy chain 7; minus strand). Cytogenetic location: 14q11.2.
Variant type: single nucleotide variant.
Coding change: c.3441C>G on transcript NM_000257.4 (MANE Select); coding-DNA position 3441, C replaced by G.
Protein change: p.Ser1147Arg; replaces serine 1147 with arginine.
Molecular consequence: missense variant.
Genome position (GRCh38, 1-based): chr14:23,420,130, G>C on the plus strand (C>G on the coding strand, the complement: MYH7 is on the minus strand). VCF-style: chr14-23420130-G-C. GRCh37 (hg19) VCF-style: chr14-23889339-G-C.
Other names: short protein forms S1147R.
Identifiers: ClinVar variation 925273 (VCV000925273.5), dbSNP rs1892414802, ClinGen allele CA389043877.

ClinVar aggregate classification (germline): Uncertain significance (1 of 4 stars; one submission).

Conditions:
Cardiomyopathy (CMYO). Also called: Cardiomyopathies. Identifiers: Orphanet 167848, MedGen C0878544, MONDO:0004994, HP:0001638. Inheritance: Various modes of inheritance.

Submission:

Color Diagnostics, LLC DBA Color Health
Classification: Uncertain significance for Cardiomyopathy. Last evaluated: 2024-03-06. Review status: criteria provided, single submitter. Criteria: ACMG Guidelines, 2015. Collection method: clinical testing. Allele origin: germline.
Comment: This missense variant replaces serine with arginine at codon 1147 of the MYH7 protein. Computational prediction tools indicate that this variant's impact on protein structure and function is inconclusive. To our knowledge, functional studies have not been reported for this variant. This variant has not been reported in individuals affected with MYH7-related disorders in the literature. This variant has not been identified in the general population by the Genome Aggregation Database (gnomAD). The available evidence is insufficient to determine the role of this variant in disease conclusively. Therefore, this variant is classified as a Variant of Uncertain Significance.